The following is an entry in ClinVar:

ClinVar aggregate classification (germline): Likely benign. Review status: criteria provided, multiple submitters, no conflicts (2 of 4 stars). 3 submissions from 3 submitters: Likely benign (3). Last evaluated 2026-05-01.

Allele frequency attached by ClinVar (database versions not stated): 1000 Genomes Project 30x 0.00016; ESP Exome Variant Server 0.00069; TOPMed 0.00082; gnomAD exomes 0.00083 and 0.00104; ExAC 0.00092; gnomAD 0.00108 and 0.00113.
gnomAD v4.1: 1,661 of 1,613,876 alleles (0.1%); highest among the groups gnomAD compares: Non-Finnish European, 0.13%; 2 homozygotes.

Submissions (3):

CeGaT Center for Human Genetics Tuebingen
Classification: Likely benign. Last evaluated: 2026-05-01. Review status: criteria provided, single submitter. Criteria: CeGaT Center For Human Genetics Tuebingen Variant Classification Criteria Version 2. Collection method: clinical testing. Allele origin: germline. Affected: yes. Observed: 1 variant allele.
Comment: GFM2: BP4, BS2

Labcorp Genetics (formerly Invitae), Labcorp
Classification: Likely benign. Last evaluated: 2026-01-12. Review status: criteria provided, single submitter. Criteria: Invitae Variant Classification Sherloc (09022015). Collection method: clinical testing. Allele origin: germline.

Blueprint Genetics
Classification: Likely benign. Last evaluated: 2024-11-25. Review status: criteria provided, single submitter. Criteria: ACMG Guidelines, 2015. Collection method: clinical testing. Allele origin: germline.

NM_032380.5(GFM2):c.2183T>C (p.Ile728Thr)

Gene: GFM2 (GTP dependent ribosome recycling factor mitochondrial GFM2; minus strand). Cytogenetic location: 5q13.3.
Variant type: single nucleotide variant.
Coding change: c.2183T>C on transcript NM_032380.5 (MANE Select); coding-DNA position 2183, T replaced by C.
Protein change: p.Ile728Thr; replaces isoleucine 728 with threonine.
Molecular consequence: missense variant. On other transcripts: non-coding transcript variant (1).
Genome position (GRCh38, 1-based): chr5:74,722,407, A>G on the plus strand (T>C on the coding strand, the complement: GFM2 is on the minus strand). VCF-style: chr5-74722407-A-G. GRCh37 (hg19) VCF-style: chr5-74018232-A-G.
Other names: c.2279T>C, p.Ile760Thr (NM_001281302.2); c.2042T>C, p.Ile681Thr (NM_170691.3); short protein forms I728T, I760T, I681T.
Identifiers: ClinVar variation 1633309 (VCV001633309.11), dbSNP rs143306569, ClinGen allele CA323740.